The following is an entry in ClinVar:

ClinVar aggregate classification (germline): Uncertain significance (1 of 4 stars; one submission).

gnomAD v4.1: 5 of 1,614,078 alleles (0.00031%); highest among the groups gnomAD compares: Admixed American, 0.0017%; no homozygotes.

Submission:

Labcorp Genetics (formerly Invitae), Labcorp
Classification: Uncertain significance. Last evaluated: 2024-03-10. Review status: criteria provided, single submitter. Criteria: Invitae Variant Classification Sherloc (09022015). Collection method: clinical testing. Allele origin: germline.
Comment: This sequence change falls in intron 41 of the PRPF8 gene. It does not directly change the encoded amino acid sequence of the PRPF8 protein. It affects a nucleotide within the consensus splice site. This variant is present in population databases (rs781284193, gnomAD 0.003%). This variant has not been reported in the literature in individuals affected with PRPF8-related conditions. Variants that disrupt the consensus splice site are a relatively common cause of aberrant splicing (PMID: 17576681, 9536098). Algorithms developed to predict the effect of sequence changes on RNA splicing suggest that this variant is not likely to affect RNA splicing. In summary, the available evidence is currently insufficient to determine the role of this variant in disease. Therefore, it has been classified as a Variant of Uncertain Significance.

Literature cited by the submitters: PubMed 17576681; PubMed 9536098.

NM_006445.4(PRPF8):c.6650+6C>T

Gene: PRPF8 (pre-mRNA processing factor 8; minus strand). Cytogenetic location: 17p13.3.
Variant type: single nucleotide variant.
Coding change: c.6650+6C>T on transcript NM_006445.4 (MANE Select); 6 bases into the intron after coding-DNA position 6650, C replaced by T.
Molecular consequence: intron variant.
Genome position (GRCh38, 1-based): chr17:1,651,408, G>A on the plus strand (C>T on the coding strand, the complement: PRPF8 is on the minus strand). VCF-style: chr17-1651408-G-A. GRCh37 (hg19) VCF-style: chr17-1554702-G-A.
Identifiers: ClinVar variation 3689388 (VCV003689388.2).